The following is an entry in ClinVar:

NM_004380.3(CREBBP):c.2601A>G (p.Pro867=)

Gene: CREBBP (CREB binding lysine acetyltransferase; minus strand). Cytogenetic location: 16p13.3.
Variant type: single nucleotide variant.
Coding change: c.2601A>G on transcript NM_004380.3 (MANE Select); coding-DNA position 2601, A replaced by G.
Protein change: p.Pro867=; no amino-acid change (proline 867 retained).
Molecular consequence: synonymous variant.
Genome position (GRCh38, 1-based): chr16:3,770,849, T>C on the plus strand (A>G on the coding strand, the complement: CREBBP is on the minus strand). VCF-style: chr16-3770849-T-C. GRCh37 (hg19) VCF-style: chr16-3820850-T-C.
Other names: c.2487A>G, p.Pro829= (NM_001079846.1); c.2601A>G (NM_004380.2).
Identifiers: ClinVar variation 2085479 (VCV002085479.5), dbSNP rs773476527, ClinGen allele CA7870067.

ClinVar aggregate classification (germline): Likely benign. Review status: criteria provided, multiple submitters, no conflicts (2 of 4 stars). 2 submissions from 2 submitters: Likely benign (2). Last evaluated 2024-12-09.

Conditions:
CREBBP-related disorder. Also called: CREBBP-related condition; CREBBP-related disorders.
Rubinstein-Taybi syndrome (RSTS). Identifiers: Orphanet 783, MedGen C0035934, MONDO:0019188.

Allele frequency attached by ClinVar (database versions not stated): TOPMed 0.00007.
gnomAD v4.1: 19 of 1,613,676 alleles (0.0012%); highest among the groups gnomAD compares: African/African-American, 0.017%; no homozygotes.

Submissions (2):

PreventionGenetics, part of Exact Sciences
Classification: Likely benign for CREBBP-related condition. Last evaluated: 2024-12-09. Review status: criteria provided, single submitter. Criteria: ACMG Guidelines, 2015. Collection method: clinical testing. Allele origin: germline.
Comment: This variant is classified as likely benign based on ACMG/AMP sequence variant interpretation guidelines (Richards et al. 2015 PMID: 25741868, with internal and published modifications).

Labcorp Genetics (formerly Invitae), Labcorp
Classification: Likely benign for Rubinstein-Taybi syndrome. Last evaluated: 2023-12-07. Review status: criteria provided, single submitter. Criteria: Invitae Variant Classification Sherloc (09022015). Collection method: clinical testing. Allele origin: germline.